The following is an entry in ClinVar:

ClinVar aggregate classification (germline): Uncertain significance (1 of 4 stars; one submission).

Conditions:
Cardiomyopathy (CMYO). Also called: Cardiomyopathies. Identifiers: Orphanet 167848, MedGen C0878544, MONDO:0004994, HP:0001638. Inheritance: Various modes of inheritance.

Submission:

Color Diagnostics, LLC DBA Color Health
Classification: Uncertain significance for Cardiomyopathy. Last evaluated: 2024-12-10. Review status: criteria provided, single submitter. Criteria: ACMG Guidelines, 2015. Collection method: clinical testing. Allele origin: germline.
Comment: This missense variant replaces lysine with methionine at codon 1973 of the DSP protein. Computational prediction suggests that this variant may not impact protein structure and function (internally defined REVEL score threshold <= 0.5, PMID: 27666373). To our knowledge, functional studies have not been reported for this variant. This variant has not been reported in individuals affected with DSP-related disorders in the literature. This variant has not been identified in the general population by the Genome Aggregation Database (gnomAD). The available evidence is insufficient to determine the role of this variant in disease conclusively. Therefore, this variant is classified as a Variant of Uncertain Significance.

NM_004415.4(DSP):c.5918A>T (p.Lys1973Met)

Gene: DSP (desmoplakin; plus strand). Cytogenetic location: 6p24.3.
Variant type: single nucleotide variant.
Coding change: c.5918A>T on transcript NM_004415.4 (MANE Select); coding-DNA position 5918, A replaced by T.
Protein change: p.Lys1973Met; replaces lysine 1973 with methionine.
Molecular consequence: missense variant.
Genome position (GRCh38, 1-based): chr6:7,583,180, A>T. VCF-style: chr6-7583180-A-T. GRCh37 (hg19) VCF-style: chr6-7583413-A-T.
Other names: c.4121A>T, p.Lys1374Met (NM_001008844.3); c.4589A>T, p.Lys1530Met (NM_001319034.2); short protein forms K1374M, K1530M, K1973M.
Identifiers: ClinVar variation 3893914 (VCV003893914.1).